The following is an entry in ClinVar:

ClinVar aggregate classification (germline): Uncertain significance. Review status: criteria provided, multiple submitters, no conflicts (2 of 4 stars). 2 submissions from 2 submitters: Uncertain significance (2). Last evaluated 2025-04-04.

Conditions:
Inborn genetic diseases. Identifiers: MedGen C0950123, MeSH D030342.

Allele frequency attached by ClinVar (database versions not stated): gnomAD exomes 0.00001; TOPMed 0.00001.
gnomAD v4.1: 11 of 1,614,242 alleles (0.00068%); highest among the groups gnomAD compares: Non-Finnish European, 0.00068%; no homozygotes.

Submissions (2):

Ambry Genetics
Classification: Uncertain significance for Inborn genetic diseases. Last evaluated: 2025-04-04. Review status: criteria provided, single submitter. Criteria: Ambry Variant Classification Scheme 2023. Collection method: clinical testing. Allele origin: germline.

Labcorp Genetics (formerly Invitae), Labcorp
Classification: Uncertain significance. Last evaluated: 2022-09-07. Review status: criteria provided, single submitter. Criteria: Invitae Variant Classification Sherloc (09022015). Collection method: clinical testing. Allele origin: germline.
Comment: In summary, the available evidence is currently insufficient to determine the role of this variant in disease. Therefore, it has been classified as a Variant of Uncertain Significance. Algorithms developed to predict the effect of missense changes on protein structure and function are either unavailable or do not agree on the potential impact of this missense change (SIFT: "Deleterious"; PolyPhen-2: "Probably Damaging"; Align-GVGD: "Class C0"). This variant has not been reported in the literature in individuals affected with LAMA1-related conditions. This variant is not present in population databases (gnomAD no frequency). This sequence change replaces asparagine, which is neutral and polar, with serine, which is neutral and polar, at codon 2383 of the LAMA1 protein (p.Asn2383Ser).

NM_005559.4(LAMA1):c.7148A>G (p.Asn2383Ser)

Gene: LAMA1 (laminin subunit alpha 1; minus strand). Cytogenetic location: 18p11.31.
Variant type: single nucleotide variant.
Coding change: c.7148A>G on transcript NM_005559.4 (MANE Select); coding-DNA position 7148, A replaced by G.
Protein change: p.Asn2383Ser; replaces asparagine 2383 with serine.
Molecular consequence: missense variant.
Genome position (GRCh38, 1-based): chr18:6,965,335, T>C on the plus strand (A>G on the coding strand, the complement: LAMA1 is on the minus strand). VCF-style: chr18-6965335-T-C. GRCh37 (hg19) VCF-style: chr18-6965334-T-C.
Other names: c.7148A>G (NM_005559.3); short protein forms N2383S.
Identifiers: ClinVar variation 2187993 (VCV002187993.5), dbSNP rs991061702, ClinGen allele CA295752149.